The following is an entry in ClinVar:

ClinVar aggregate classification (germline): Uncertain significance (1 of 4 stars; one submission).

gnomAD v4.1: 8 of 1,614,048 alleles (0.0005%); highest among the groups gnomAD compares: Admixed American, 0.005%; no homozygotes.

Submission:

Labcorp Genetics (formerly Invitae), Labcorp
Classification: Uncertain significance. Last evaluated: 2025-07-04. Review status: criteria provided, single submitter. Criteria: Invitae Variant Classification Sherloc (09022015). Collection method: clinical testing. Allele origin: germline.
Comment: This sequence change replaces leucine, which is neutral and non-polar, with phenylalanine, which is neutral and non-polar, at codon 373 of the ALB protein (p.Leu373Phe). This variant is present in population databases (no rsID available, gnomAD 0.0009%). This variant has not been reported in the literature in individuals affected with ALB-related conditions. ClinVar contains an entry for this variant (Variation ID: 3615103). Invitae Evidence Modeling of protein sequence and biophysical properties (such as structural, functional, and spatial information, amino acid conservation, physicochemical variation, residue mobility, and thermodynamic stability) indicates that this missense variant is expected to disrupt ALB protein function with a positive predictive value of 80%. In summary, the available evidence is currently insufficient to determine the role of this variant in disease. Therefore, it has been classified as a Variant of Uncertain Significance.

NM_000477.7(ALB):c.1117C>T (p.Leu373Phe)

Gene: ALB (albumin; plus strand). Cytogenetic location: 4q13.3.
Variant type: single nucleotide variant.
Coding change: c.1117C>T on transcript NM_000477.7 (MANE Select); coding-DNA position 1117, C replaced by T.
Protein change: p.Leu373Phe; replaces leucine 373 with phenylalanine.
Molecular consequence: missense variant.
Genome position (GRCh38, 1-based): chr4:73,415,093, C>T. VCF-style: chr4-73415093-C-T. GRCh37 (hg19) VCF-style: chr4-74280810-C-T.
Other names: short protein forms L373F.
Identifiers: ClinVar variation 3615103 (VCV003615103.2).